The following is an entry in ClinVar:

ClinVar aggregate classification (germline): Likely benign. Review status: criteria provided, multiple submitters, no conflicts (2 of 4 stars). 2 submissions from 2 submitters: Likely benign (2). Last evaluated 2025-07-17.

Conditions:
TYROBP-related disorder. Also called: TYROBP-related condition.

Allele frequency attached by ClinVar (database versions not stated): gnomAD exomes 0.00004 and 0.00006; ExAC 0.00011; 1000 Genomes Project 0.00020; gnomAD 0.00029 and 0.00033; 1000 Genomes Project 30x 0.00031; ESP Exome Variant Server 0.00031; TOPMed 0.00032.

Submissions (2):

PreventionGenetics, part of Exact Sciences
Classification: Likely benign for TYROBP-related condition. Last evaluated: 2025-07-17. Review status: criteria provided, single submitter. Criteria: ACMG Guidelines, 2015. Collection method: clinical testing. Allele origin: germline.
Comment: This variant is classified as likely benign based on ACMG/AMP sequence variant interpretation guidelines (Richards et al. 2015 PMID: 25741868, with internal and published modifications).

Labcorp Genetics (formerly Invitae), Labcorp
Classification: Likely benign. Last evaluated: 2025-03-12. Review status: criteria provided, single submitter. Criteria: Invitae Variant Classification Sherloc (09022015). Collection method: clinical testing. Allele origin: germline.

NM_003332.4(TYROBP):c.252C>T (p.Ile84=)

Gene: TYROBP (transmembrane immune signaling adaptor TYROBP; minus strand). Cytogenetic location: 19q13.12.
Variant type: single nucleotide variant.
Coding change: c.252C>T on transcript NM_003332.4 (MANE Select); coding-DNA position 252, C replaced by T.
Protein change: p.Ile84=; no amino-acid change (isoleucine 84 retained).
Molecular consequence: synonymous variant. On other transcripts: non-coding transcript variant (1).
Genome position (GRCh38, 1-based): chr19:35,907,242, G>A on the plus strand (C>T on the coding strand, the complement: TYROBP is on the minus strand). VCF-style: chr19-35907242-G-A. GRCh37 (hg19) VCF-style: chr19-36398144-G-A.
Other names: c.219C>T, p.Ile73= (NM_001173514.2); c.216C>T, p.Ile72= (NM_001173515.2); c.249C>T, p.Ile83= (NM_198125.3); c.252C>T (NM_003332.3).
Identifiers: ClinVar variation 1547397 (VCV001547397.9), dbSNP rs151172291, ClinGen allele CA9393031.
Genomic context (GRCh38, chr19:35,907,242, plus strand): 5'-GAGTGAAATGTGAGGAGGACAGTCTGGTTTTCTCACCTGATAAGGCGACTCGGTCTCAGT[G>A]ATACGCTGTTTCCGGGTCGCTGCTGGAGGTGAGGGGTGTTGTGGGGTGCAGAGACAGGCA-3'
Protein context (NP_003323.1, residues 74-94): AAEAATRKQR[Ile84=]TETESPYQEL